The following is an entry in ClinVar:

ClinVar aggregate classification (germline): Likely benign (0 of 4 stars; one submission).

Conditions:
ROBO1-related disorder. Also called: ROBO1-related condition.

Allele frequency attached by ClinVar (database versions not stated): TOPMed 0.00001; gnomAD 0.00002.
gnomAD v4.1: 5 of 1,613,890 alleles (0.00031%); highest among the groups gnomAD compares: Non-Finnish European, 0.00042%; no homozygotes.

Submission:

PreventionGenetics, part of Exact Sciences
Classification: Likely benign for ROBO1-related condition. Last evaluated: 2023-01-18. Review status: no assertion criteria provided. Collection method: clinical testing. Allele origin: germline.
Comment: This variant is classified as likely benign based on ACMG/AMP sequence variant interpretation guidelines (Richards et al. 2015 PMID: 25741868, with internal and published modifications).

NM_002941.4(ROBO1):c.396A>C (p.Ile132=)

Gene: ROBO1 (roundabout guidance receptor 1; minus strand). Cytogenetic location: 3p12.3.
Variant type: single nucleotide variant.
Coding change: c.396A>C on transcript NM_002941.4 (MANE Select); coding-DNA position 396, A replaced by C.
Protein change: p.Ile132=; no amino-acid change (isoleucine 132 retained).
Molecular consequence: synonymous variant.
Genome position (GRCh38, 1-based): chr3:78,938,704, T>G on the plus strand (A>C on the coding strand, the complement: ROBO1 is on the minus strand). VCF-style: chr3-78938704-T-G. GRCh37 (hg19) VCF-style: chr3-78987854-T-G.
Other names: c.279A>C, p.Ile93= (NM_001145844.1, NM_001145845.2, NM_133631.4).
Identifiers: ClinVar variation 3049922 (VCV003049922.2), dbSNP rs1168071927, ClinGen allele CA434626723.